The following is an entry in ClinVar:

ClinVar aggregate classification (germline): Uncertain significance (1 of 4 stars; one submission).

Conditions:
Inborn genetic diseases. Identifiers: MedGen C0950123, MeSH D030342.

Submission:

Ambry Genetics
Classification: Uncertain significance for Inborn genetic diseases. Last evaluated: 2025-08-04. Review status: criteria provided, single submitter. Criteria: Ambry Variant Classification Scheme 2023. Collection method: clinical testing. Allele origin: germline.
Comment: The p.S454R variant (also known as c.1362C>G), located in coding exon 16 of the RTEL1 gene, results from a C to G substitution at nucleotide position 1362. The serine at codon 454 is replaced by arginine, an amino acid with dissimilar properties. This amino acid position is conserved. In addition, this alteration is predicted to be deleterious by in silico analysis. Based on the available evidence, the clinical significance of this variant remains unclear.

NM_001283009.2(RTEL1):c.1362C>G (p.Ser454Arg)

Genes: RTEL1 (regulator of telomere elongation helicase 1; plus strand), RTEL1-TNFRSF6B (RTEL1-TNFRSF6B readthrough (NMD candidate); plus strand). Cytogenetic location: 20q13.33.
Variant type: single nucleotide variant.
Coding change: c.1362C>G on transcript NM_001283009.2 (MANE Select); coding-DNA position 1362, C replaced by G.
Protein change: p.Ser454Arg; replaces serine 454 with arginine.
Molecular consequence: missense variant. On other transcripts: non-coding transcript variant (1).
Genome position (GRCh38, 1-based): chr20:63,687,651, C>G. VCF-style: chr20-63687651-C-G. GRCh37 (hg19) VCF-style: chr20-62319004-C-G.
Other names: c.693C>G, p.Ser231Arg (NM_001283010.1); c.1362C>G, p.Ser454Arg (NM_016434.4); c.1434C>G, p.Ser478Arg (NM_032957.5); short protein forms S231R, S454R, S478R.
Identifiers: ClinVar variation 4157640 (VCV004157640.1).